The following is an entry in ClinVar:

NM_000435.3(NOTCH3):c.2208C>G (p.Asp736Glu)

Gene: NOTCH3 (notch receptor 3; minus strand). Cytogenetic location: 19p13.12.
Variant type: single nucleotide variant.
Coding change: c.2208C>G on transcript NM_000435.3 (MANE Select); coding-DNA position 2208, C replaced by G.
Protein change: p.Asp736Glu; replaces aspartic acid 736 with glutamic acid.
Molecular consequence: missense variant.
Genome position (GRCh38, 1-based): chr19:15,185,345, G>C on the plus strand (C>G on the coding strand, the complement: NOTCH3 is on the minus strand). VCF-style: chr19-15185345-G-C. GRCh37 (hg19) VCF-style: chr19-15296156-G-C.
Other names: short protein forms D736E.
Identifiers: ClinVar variation 3700277 (VCV003700277.2).

ClinVar aggregate classification (germline): Uncertain significance (1 of 4 stars; one submission).

gnomAD v4.1: 2 of 1,612,560 alleles (0.00012%); highest among the groups gnomAD compares: Admixed American, 0.0017%; no homozygotes.

Submission:

Labcorp Genetics (formerly Invitae), Labcorp
Classification: Uncertain significance. Last evaluated: 2024-09-25. Review status: criteria provided, single submitter. Criteria: Invitae Variant Classification Sherloc (09022015). Collection method: clinical testing. Allele origin: germline.
Comment: This sequence change replaces aspartic acid, which is acidic and polar, with glutamic acid, which is acidic and polar, at codon 736 of the NOTCH3 protein (p.Asp736Glu). This variant is present in population databases (no rsID available, gnomAD 0.003%). This missense change has been observed in individual(s) with early onset Alzheimer disease (PMID: 31182772). Invitae Evidence Modeling of protein sequence and biophysical properties (such as structural, functional, and spatial information, amino acid conservation, physicochemical variation, residue mobility, and thermodynamic stability) indicates that this missense variant is not expected to disrupt NOTCH3 protein function with a negative predictive value of 95%. In summary, the available evidence is currently insufficient to determine the role of this variant in disease. Therefore, it has been classified as a Variant of Uncertain Significance.

Literature cited by the submitters: PubMed 31182772.